The following is an entry in ClinVar:

ClinVar aggregate classification (germline): Uncertain significance. Review status: criteria provided, multiple submitters, no conflicts (2 of 4 stars). 3 submissions from 3 submitters: Uncertain significance (3). Last evaluated 2025-03-04.

Conditions:
Inborn genetic diseases. Identifiers: MedGen C0950123, MeSH D030342.
Hereditary spastic paraplegia 7 (SPG7). Also called: Spastic paraplegia 7; Hereditary spastic paraplegia Paraplegin type; Autosomal recessive spastic paraplegia type 7; SPASTIC PARAPLEGIA 7, AUTOSOMAL RECESSIVE, WITH OR WITHOUT CEREBELLAR ATAXIA; SPG7-related neurologic disorder. Identifiers: Orphanet 99013, MedGen C1846564, MONDO:0011803, OMIM 607259.

gnomAD v4.1: 3 of 1,613,324 alleles (0.00019%); highest among the groups gnomAD compares: Non-Finnish European, 0.00025%; no homozygotes.

Submissions (3):

Labcorp Genetics (formerly Invitae), Labcorp
Classification: Uncertain significance for Hereditary spastic paraplegia 7. Last evaluated: 2025-03-04. Review status: criteria provided, single submitter. Criteria: Invitae Variant Classification Sherloc (09022015). Collection method: clinical testing. Allele origin: germline.
Comment: This sequence change replaces alanine, which is neutral and non-polar, with threonine, which is neutral and polar, at codon 387 of the SPG7 protein (p.Ala387Thr). This variant is present in population databases (no rsID available, gnomAD 0.007%). This variant has not been reported in the literature in individuals affected with SPG7-related conditions. ClinVar contains an entry for this variant (Variation ID: 3448448). Invitae Evidence Modeling of protein sequence and biophysical properties (such as structural, functional, and spatial information, amino acid conservation, physicochemical variation, residue mobility, and thermodynamic stability) indicates that this missense variant is expected to disrupt SPG7 protein function with a positive predictive value of 80%. In summary, the available evidence is currently insufficient to determine the role of this variant in disease. Therefore, it has been classified as a Variant of Uncertain Significance.

Ambry Genetics
Classification: Uncertain significance for Inborn genetic diseases. Last evaluated: 2024-07-23. Review status: criteria provided, single submitter. Criteria: Ambry Variant Classification Scheme 2023. Collection method: clinical testing. Allele origin: germline.

Department of Pathology and Laboratory Medicine, Sinai Health System
Classification: Uncertain significance for Hereditary spastic paraplegia 7. Last evaluated: 2021-12-06. Review status: criteria provided, single submitter. Criteria: ACMG Guidelines, 2015. Collection method: research. Allele origin: germline.

NM_003119.4(SPG7):c.1159G>A (p.Ala387Thr)

Gene: SPG7 (SPG7 matrix AAA peptidase subunit, paraplegin; plus strand). Cytogenetic location: 16q24.3.
Variant type: single nucleotide variant.
Coding change: c.1159G>A on transcript NM_003119.4 (MANE Select); coding-DNA position 1159, G replaced by A.
Protein change: p.Ala387Thr; replaces alanine 387 with threonine.
Molecular consequence: missense variant.
Genome position (GRCh38, 1-based): chr16:89,532,471, G>A. VCF-style: chr16-89532471-G-A. GRCh37 (hg19) VCF-style: chr16-89598879-G-A.
Other names: c.1159G>A, p.Ala387Thr (NM_001363850.1, NM_199367.3); short protein forms A387T.
Identifiers: ClinVar variation 3448448 (VCV003448448.3).